The following is an entry in ClinVar:

NM_001321571.2(CAMK2D):c.184G>A (p.Ala62Thr)

Gene: CAMK2D (calcium/calmodulin dependent protein kinase II delta; minus strand). Cytogenetic location: 4q26.
Variant type: single nucleotide variant.
Coding change: c.184G>A on transcript NM_001321571.2 (MANE Select); coding-DNA position 184, G replaced by A.
Protein change: p.Ala62Thr; replaces alanine 62 with threonine.
Molecular consequence: missense variant. On other transcripts: 5 prime UTR variant (5).
Genome position (GRCh38, 1-based): chr4:113,661,749, C>T on the plus strand (G>A on the coding strand, the complement: CAMK2D is on the minus strand). VCF-style: chr4-113661749-C-T. GRCh37 (hg19) VCF-style: chr4-114582905-C-T.
Other names: c.184G>A, p.Ala62Thr (NM_001221.4, NM_001321566.2, NM_001321567.2 and 33 more transcripts); c.-332G>A (NM_001321578.2); c.67G>A, p.Ala23Thr (NM_001321581.2, NM_001399859.1, NM_001399860.1 and 2 more transcripts); c.-405G>A (NM_001321585.2, NM_001399865.1); c.-277G>A (NM_001399863.1, NM_001399864.1); short protein forms A23T, A62T.
Identifiers: ClinVar variation 4538734 (VCV004538734.1).

ClinVar aggregate classification (germline): Uncertain significance (1 of 4 stars; one submission).

Submission:

GeneDx
Classification: Uncertain significance. Last evaluated: 2025-06-17. Review status: criteria provided, single submitter. Criteria: GeneDx Variant Classification Process June 2021. Collection method: clinical testing. Allele origin: germline. Affected: yes.
Comment: Not observed at significant frequency in large population cohorts (gnomAD); In silico analysis supports that this missense variant has a deleterious effect on protein structure/function; Has not been previously published as pathogenic or benign to our knowledge